The following is an entry in ClinVar:

ClinVar aggregate classification (germline): Uncertain significance (1 of 4 stars; one submission).

Conditions:
Familial thoracic aortic aneurysm and aortic dissection (TAAD). Also called: Thoracic aortic aneurysms and dissections. Identifiers: Orphanet 91387, MedGen C4707243, MONDO:0019625.

Submission:

Ambry Genetics
Classification: Uncertain significance for Familial thoracic aortic aneurysm and aortic dissection. Last evaluated: 2024-11-03. Review status: criteria provided, single submitter. Criteria: Ambry Variant Classification Scheme 2023. Collection method: clinical testing. Allele origin: germline.
Comment: The p.D234H variant (also known as c.700G>C), located in coding exon 7 of the PLOD1 gene, results from a G to C substitution at nucleotide position 700. The aspartic acid at codon 234 is replaced by histidine, an amino acid with similar properties. This amino acid position is conserved. In addition, the in silico prediction for this alteration is inconclusive. Based on the available evidence, the clinical significance of this variant remains unclear.

NM_000302.4(PLOD1):c.700G>C (p.Asp234His)

Gene: PLOD1 (procollagen-lysine,2-oxoglutarate 5-dioxygenase 1; plus strand). Cytogenetic location: 1p36.22.
Variant type: single nucleotide variant.
Coding change: c.700G>C on transcript NM_000302.4 (MANE Select); coding-DNA position 700, G replaced by C.
Protein change: p.Asp234His; replaces aspartic acid 234 with histidine.
Molecular consequence: missense variant.
Genome position (GRCh38, 1-based): chr1:11,956,973, G>C. VCF-style: chr1-11956973-G-C. GRCh37 (hg19) VCF-style: chr1-12017030-G-C.
Other names: c.841G>C, p.Asp281His (NM_001316320.2); short protein forms D234H, D281H.
Identifiers: ClinVar variation 3420948 (VCV003420948.1).